The following is an entry in ClinVar:

ClinVar aggregate classification (germline): Uncertain significance (1 of 4 stars; one submission).

Submission:

Labcorp Genetics (formerly Invitae), Labcorp
Classification: Uncertain significance. Last evaluated: 2022-11-01. Review status: criteria provided, single submitter. Criteria: Invitae Variant Classification Sherloc (09022015). Collection method: clinical testing. Allele origin: germline.
Comment: This variant, c.4405_4407del, results in the deletion of 1 amino acid(s) of the MPDZ protein (p.Ser1469del), but otherwise preserves the integrity of the reading frame. This variant is present in population databases (no rsID available, gnomAD 0.01%). This variant has been observed in individual(s) with clinical features of retinitis pigmentosa (Invitae). ClinVar contains an entry for this variant (Variation ID: 1507332). Experimental studies and prediction algorithms are not available or were not evaluated, and the functional significance of this variant is currently unknown. In summary, the available evidence is currently insufficient to determine the role of this variant in disease. Therefore, it has been classified as a Variant of Uncertain Significance.

NM_001378778.1(MPDZ):c.4405_4407del (p.Ser1469del)

Gene: MPDZ (multiple PDZ domain crumbs cell polarity complex component; minus strand). Cytogenetic location: 9p23.
Variant type: Deletion.
Coding change: c.4405_4407del on transcript NM_001378778.1 (MANE Select); coding-DNA positions 4405 to 4407, 3 bases deleted (TCT; older notation c.4405_4407delTCT).
Protein change: p.Ser1469del; deletes serine 1469.
Molecular consequence: inframe deletion.
Genome position (GRCh38, 1-based): chr9:13,133,881-13,133,883, AGA deleted on the plus strand (TCT on the coding strand, the reverse complement: MPDZ is on the minus strand); deleting any 3 consecutive bases within chr9:13,133,881-13,133,885 gives the same sequence; the c. name uses the placement nearest the transcript's 3' end. VCF-style (leftmost placement, unchanged base first): chr9-13133880-CAGA-C. GRCh37 (hg19) VCF-style: chr9-13133879-CAGA-C.
Other names: c.4306_4308del, p.Ser1436del (NM_001261406.2, NM_001261407.2, NM_001375416.1 and 3 more transcripts); c.4405_4407del, p.Ser1469del (NM_001330637.2, NM_003829.5); c.4504_4506del, p.Ser1502del (NM_001375413.1); c.4195_4197del, p.Ser1399del (NM_001375420.1, NM_001375421.1, NM_001375422.1 and 4 more transcripts); c.3997_3999del, p.Ser1333del (NM_001375427.1); short protein forms S1399del, S1436del, S1469del, S1502del, S1333del.
Identifiers: ClinVar variation 1507332 (VCV001507332.5), dbSNP rs1406081718, ClinGen allele CA586225321.